The following is an entry in ClinVar:

ClinVar aggregate classification (germline): Uncertain significance. Review status: criteria provided, multiple submitters, no conflicts (2 of 4 stars). 2 submissions from 2 submitters: Uncertain significance (2). Last evaluated 2024-07-02.

Conditions:
Inborn genetic diseases. Identifiers: MedGen C0950123, MeSH D030342.

gnomAD v4.1: 1 of 1,612,990 alleles (0.000062%); highest among the groups gnomAD compares: Non-Finnish European, 0.000085%; no homozygotes.

Submissions (2):

Ambry Genetics
Classification: Uncertain significance for Inborn genetic diseases. Last evaluated: 2024-07-02. Review status: criteria provided, single submitter. Criteria: Ambry Variant Classification Scheme 2023. Collection method: clinical testing. Allele origin: germline.

Labcorp Genetics (formerly Invitae), Labcorp
Classification: Uncertain significance. Last evaluated: 2022-08-23. Review status: criteria provided, single submitter. Criteria: Invitae Variant Classification Sherloc (09022015). Collection method: clinical testing. Allele origin: germline.
Comment: This sequence change replaces serine, which is neutral and polar, with arginine, which is basic and polar, at codon 765 of the HPS6 protein (p.Ser765Arg). This variant is not present in population databases (gnomAD no frequency). This variant has not been reported in the literature in individuals affected with HPS6-related conditions. ClinVar contains an entry for this variant (Variation ID: 1368918). Algorithms developed to predict the effect of missense changes on protein structure and function are either unavailable or do not agree on the potential impact of this missense change (SIFT: "Tolerated"; PolyPhen-2: "Possibly Damaging"; Align-GVGD: "Class C15"). In summary, the available evidence is currently insufficient to determine the role of this variant in disease. Therefore, it has been classified as a Variant of Uncertain Significance.

NM_024747.6(HPS6):c.2295C>G (p.Ser765Arg)

Gene: HPS6 (HPS6 biogenesis of lysosomal organelles complex 2 subunit 3; plus strand). Cytogenetic location: 10q24.32.
Variant type: single nucleotide variant.
Coding change: c.2295C>G on transcript NM_024747.6 (MANE Select); coding-DNA position 2295, C replaced by G.
Protein change: p.Ser765Arg; replaces serine 765 with arginine.
Molecular consequence: missense variant.
Genome position (GRCh38, 1-based): chr10:102,067,769, C>G. VCF-style: chr10-102067769-C-G. GRCh37 (hg19) VCF-style: chr10-103827526-C-G.
Other names: c.2295C>G (NM_024747.5); short protein forms S765R.
Identifiers: ClinVar variation 1368918 (VCV001368918.4), dbSNP rs1420874710, ClinGen allele CA377878391.